The following is an entry in ClinVar:

NM_004415.4(DSP):c.268C>T (p.Gln90Ter)

Gene: DSP (desmoplakin; plus strand). Cytogenetic location: 6p24.3.
Variant type: single nucleotide variant.
Coding change: c.268C>T on transcript NM_004415.4 (MANE Select); coding-DNA position 268, C replaced by T.
Protein change: p.Gln90Ter; replaces glutamine 90 with a stop codon.
Molecular consequence: nonsense.
Genome position (GRCh38, 1-based): chr6:7,555,815, C>T. VCF-style: chr6-7555815-C-T. GRCh37 (hg19) VCF-style: chr6-7556048-C-T.
Other names: c.268C>T (LRG_423t1); c.268C>T, p.Gln90Ter (NM_001008844.3, NM_001319034.2); short protein forms Q90*.
Identifiers: ClinVar variation 265102 (VCV000265102.35), dbSNP rs886039343, ClinGen allele CA10588418.
Genomic context (GRCh38, chr6:7,555,815, plus strand): 5'-ACCATCCAGGAGCTGCTGCAGAACTGCTCCGACTGCTTGATGCGAGCAGAGCTCATCGTG[C>T]AGCCTGTAAGCTTTCCCTGTTCCCATCGCTTCTCCCAAAGCCTTGGCCACACCCGACTGT-3'

ClinVar aggregate classification (germline): Pathogenic/Likely pathogenic. Review status: criteria provided, multiple submitters, no conflicts (2 of 4 stars). 8 submissions from 8 submitters: Pathogenic (5); Likely pathogenic (3). Last evaluated 2026-01-26.

Conditions:
Cardiovascular phenotype. Identifiers: MedGen CN230736.
Arrhythmogenic cardiomyopathy with wooly hair and keratoderma. Also called: Arrhythmogenic cardiomyopathy with woolly hair and keratoderma; PALMOPLANTAR KERATODERMA WITH LEFT VENTRICULAR CARDIOMYOPATHY AND WOOLLY HAIR; Carvajal syndrome; Dilated cardiomyopathy with woolly hair and keratoderma. Identifiers: Orphanet 65282, MedGen C1854063, MONDO:0011581, OMIM 605676.
Arrhythmogenic right ventricular dysplasia 8 (ARVD8). Also called: ARRHYTHMOGENIC RIGHT VENTRICULAR DYSPLASIA, FAMILIAL, 8; ARRHYTHMOGENIC RIGHT VENTRICULAR CARDIOMYOPATHY 8; Arrhythmogenic Right Ventricular Dysplasia/Cardiomyopathy 8. Identifiers: MedGen C1843896, MONDO:0011831, OMIM 607450.
Cardiomyopathy (CMYO). Also called: Cardiomyopathies. Identifiers: Orphanet 167848, MedGen C0878544, MONDO:0004994, HP:0001638. Inheritance: Various modes of inheritance.

Allele frequency attached by ClinVar (database versions not stated): gnomAD exomes below 0.00001; TOPMed below 0.00001; gnomAD 0.00001.

Submissions (8):

Labcorp Genetics (formerly Invitae), Labcorp
Classification: Pathogenic for Arrhythmogenic cardiomyopathy with wooly hair and keratoderma; Arrhythmogenic right ventricular dysplasia 8. Last evaluated: 2026-01-26. Review status: criteria provided, single submitter. Criteria: Invitae Variant Classification Sherloc (09022015). Collection method: clinical testing. Allele origin: germline.
Comment: This sequence change creates a premature translational stop signal (p.Gln90*) in the DSP gene. It is expected to result in an absent or disrupted protein product. Loss-of-function variants in DSP are known to be pathogenic (PMID: 20716751, 24503780, 25227139, 30398466). This variant is present in population databases (no rsID available, gnomAD 0.006%). This premature translational stop signal has been observed in individual(s) with DSP-related conditions (PMID: 32372669). ClinVar contains an entry for this variant (Variation ID: 265102). For these reasons, this variant has been classified as Pathogenic.

Greenwood Genetic Center Diagnostic Laboratories, Greenwood Genetic Center
Classification: Likely pathogenic for Arrhythmogenic right ventricular dysplasia 8. Last evaluated: 2025-12-02. Review status: criteria provided, single submitter. Criteria: ACMG Guidelines, 2015. Collection method: clinical testing. Allele origin: germline.
Comment: PVS1, PM2

GeneDx
Classification: Pathogenic. Last evaluated: 2025-07-30. Review status: criteria provided, single submitter. Criteria: GeneDx Variant Classification Process June 2021. Collection method: clinical testing. Allele origin: germline. Affected: yes.
Comment: Nonsense variant predicted to result in protein truncation or nonsense mediated decay in a gene for which loss of function is a known mechanism of disease; Not observed at significant frequency in large population cohorts (gnomAD); This variant is associated with the following publications: (PMID: 30217213, 31402444, 36136372, 31847883, 29181379, 32372669, 38933053)

Color Diagnostics, LLC DBA Color Health
Classification: Likely pathogenic for Cardiomyopathy. Last evaluated: 2025-06-03. Review status: criteria provided, single submitter. Criteria: ACMG Guidelines, 2015. Collection method: clinical testing. Allele origin: germline.
Comment: This variant changes 1 nucleotide in exon 2 of the DSP gene and is expected to introduce a premature translation stop signal at codon 90. The mutant transcript may undergo nonsense-mediated mRNA decay, resulting in an absent or non-functional protein product. There are multiple in-frame methionines in exon 3 prior to a known functional domain, and it is unknown if any of these methionines may serve as alternate translation initiation site, thereby potentially mitigating the effect of this p.Gln90* variant. This variant has been identified in 1/250568 chromosomes in the general population by the Genome Aggregation Database (gnomAD). Loss of DSP function is a known mechanism of disease. Based on the available evidence, this variant is classified as Likely Pathogenic.

Ambry Genetics
Classification: Pathogenic for Cardiovascular phenotype. Last evaluated: 2024-05-10. Review status: criteria provided, single submitter. Criteria: Ambry Variant Classification Scheme 2023. Collection method: clinical testing. Allele origin: germline.
Comment: The p.Q90* pathogenic mutation (also known as c.268C>T), located in coding exon 2 of the DSP gene, results from a C to T substitution at nucleotide position 268. This changes the amino acid from a glutamine to a stop codon within coding exon 2. This variant was detected in a sudden death case for which autopsy findings showed evidence of cardiomyopathy (Rueda M et al. Front Cardiovasc Med, 2017 Nov;4:72). This variant is considered to be rare based on population cohorts in the Genome Aggregation Database (gnomAD). Alterations in DSP that result in haploinsufficiency or protein truncation have been reported in patients with arrhythmogenic right ventricular cardiomyopathy (ARVC) and dilated cardiomyopathy (DCM) (Fressart V et al. Europace. 2010;12(6):861-8; Elliott P et al. Circ Cardiovasc Genet. 2010;3(4):314-22; Quarta G et al. Circulation. 2011;123(23):2701-9; Garcia-Pavia P et al. Heart. 2011;97(21):1744-52; Rasmussen TB et al. Clin Genet. 2013;84(1):20-30; Pugh TJ et al. Genet Med. 2014;16(8):601-8). This alteration is expected to result in loss of function by premature protein truncation or nonsense-mediated mRNA decay. As such, this alteration is interpreted as a disease-causing mutation.

All of Us Research Program, National Institutes of Health
Classification: Likely pathogenic for Arrhythmogenic cardiomyopathy with wooly hair and keratoderma. Last evaluated: 2024-04-25. Review status: criteria provided, single submitter. Criteria: ACMG Guidelines, 2015. Collection method: clinical testing. Allele origin: germline. Inheritance: Autosomal dominant inheritance. Observed: 1 variant allele, 1 heterozygote.
Comment: This variant changes 1 nucleotide in exon 2 of the DSP gene and is expected to introduce a premature translation stop signal at codon 90. The mutant transcript may undergo nonsense-mediated mRNA decay, resulting in an absent or non-functional protein product. There are multiple in-frame methionines in exon 3 prior to a known functional domain, and it is unknown if any of these methionines may serve as alternate translation initiation site, thereby potentially mitigating the effect of this p.Gln90* variant. This variant has been reported in a family affected with dilated cardiomyopathy or arrhythmogenic cardiomyopathy (PMID: 32372669), in two individuals affected with sudden death (PMID: 29181379, 31847883). This variant has been identified in 1/250568 chromosomes in the general population by the Genome Aggregation Database (gnomAD). Loss of DSP function is a known mechanism of disease. Based on the available evidence, this variant is classified as Likely Pathogenic.

This study involves interpretation of variants in research participants for the purpose of population health screening. Participant phenotype was not available at the time of variant classification. Additional details can be found in publication PMID: 35346344, PMCID: PMC8962531

Mayo Clinic Laboratories, Mayo Clinic
Classification: Pathogenic. Last evaluated: 2024-04-25. Review status: criteria provided, single submitter. Criteria: ACMG Guidelines, 2015. Collection method: clinical testing. Allele origin: germline. Observed: 1 variant allele.
Comment: PM2, PS4_moderate, PVS1

ARUP Laboratories, Molecular Genetics and Genomics, ARUP Laboratories
Classification: Pathogenic. Last evaluated: 2018-07-05. Review status: criteria provided, single submitter. Criteria: ARUP Molecular Germline Variant Investigation Process. Collection method: clinical testing. Allele origin: germline.
Comment: The p.Gln90Ter variant is predicted to result in a truncated or absent protein product. This variant has not been reported in the medical literature; however a similar truncating variant (p.Q51Ter) was reported in one individual with Arrhythmogenic right ventricular dysplasia/cardiomyopathy (ARVD), whereby electrical abnormalities on electrocardiography and Holter monitoring were proposed as an indicator for high risk patients (te Riele, 2013). This variant is listed in the Genome Aggregation Database (gnomAD) identified on a single chromosome out of 245,444, and has been reported to the ClinVar database as a pathogenic/likely pathogenic variant (Variation ID: 265102). Based on these observations, the p.Gln90Ter variant is considered to be pathogenic.

Literature cited by the submitters: PubMed 20716751 (cited by Labcorp Genetics (formerly Invitae), Labcorp); PubMed 24503780 (cited by Labcorp Genetics (formerly Invitae), Labcorp); PubMed 25227139 (cited by Labcorp Genetics (formerly Invitae), Labcorp); PubMed 30398466 (cited by Labcorp Genetics (formerly Invitae), Labcorp); PubMed 32372669 (cited by 4 submitters); PubMed 29181379 (cited by 3 submitters); PubMed 31847883 (cited by 3 submitters); PubMed 38933053 (cited by Color Diagnostics, LLC DBA Color Health); PubMed 30217213 (cited by Mayo Clinic Laboratories, Mayo Clinic); PubMed 31402444 (cited by Mayo Clinic Laboratories, Mayo Clinic); PubMed 36136372 (cited by Mayo Clinic Laboratories, Mayo Clinic).